The following is an entry in ClinVar:

NM_198999.3(SLC26A5):c.1555G>A (p.Val519Met)

Gene: SLC26A5 (solute carrier family 26 member 5; minus strand). Cytogenetic location: 7q22.1.
Variant type: single nucleotide variant.
Coding change: c.1555G>A on transcript NM_198999.3 (MANE Select); coding-DNA position 1555, G replaced by A.
Protein change: p.Val519Met; replaces valine 519 with methionine.
Molecular consequence: missense variant. On other transcripts: non-coding transcript variant (1), intron variant (2).
Genome position (GRCh38, 1-based): chr7:103,380,509, C>T on the plus strand (G>A on the coding strand, the complement: SLC26A5 is on the minus strand). VCF-style: chr7-103380509-C-T. GRCh37 (hg19) VCF-style: chr7-103020956-C-T.
Other names: c.1459G>A, p.Val487Met (NM_001167962.2, NM_001321787.2); c.1555G>A, p.Val519Met (NM_206883.3); c.971+17423G>A (NM_206885.3); c.1514+8499G>A (NM_206884.3); c.1555G>A (NM_198999.2); short protein forms V519M, V487M.
Identifiers: ClinVar variation 1426250 (VCV001426250.4), dbSNP rs761406791, ClinGen allele CA4419474.

ClinVar aggregate classification (germline): Uncertain significance. Review status: criteria provided, multiple submitters, no conflicts (2 of 4 stars). 2 submissions from 2 submitters: Uncertain significance (2). Last evaluated 2023-12-22.

Conditions:
Inborn genetic diseases. Identifiers: MedGen C0950123, MeSH D030342.

Allele frequency attached by ClinVar (database versions not stated): TOPMed below 0.00001; ExAC 0.00001; gnomAD exomes 0.00002.
gnomAD v4.1: 4 of 1,613,798 alleles (0.00025%); highest among the groups gnomAD compares: Admixed American, 0.0067%; no homozygotes.

Submissions (2):

Ambry Genetics
Classification: Uncertain significance for Inborn genetic diseases. Last evaluated: 2023-12-22. Review status: criteria provided, single submitter. Criteria: Ambry Variant Classification Scheme 2023. Collection method: clinical testing. Allele origin: germline.

Labcorp Genetics (formerly Invitae), Labcorp
Classification: Uncertain significance. Last evaluated: 2021-10-11. Review status: criteria provided, single submitter. Criteria: Invitae Variant Classification Sherloc (09022015). Collection method: clinical testing. Allele origin: germline.
Comment: This sequence change replaces valine with methionine at codon 519 of the SLC26A5 protein (p.Val519Met). The valine residue is moderately conserved and there is a small physicochemical difference between valine and methionine. This variant is present in population databases (rs761406791, ExAC 0.009%). This variant has not been reported in the literature in individuals affected with SLC26A5-related conditions. Advanced modeling of protein sequence and biophysical properties (such as structural, functional, and spatial information, amino acid conservation, physicochemical variation, residue mobility, and thermodynamic stability) performed at Invitae indicates that this missense variant is not expected to disrupt SLC26A5 protein function. In summary, the available evidence is currently insufficient to determine the role of this variant in disease. Therefore, it has been classified as a Variant of Uncertain Significance.